The following is an entry in ClinVar:

NM_177972.3(TUB):c.71A>G (p.Gln24Arg)

Gene: TUB (TUB bipartite transcription factor; plus strand). Cytogenetic location: 11p15.4.
Variant type: single nucleotide variant.
Coding change: c.71A>G on transcript NM_177972.3 (MANE Select); coding-DNA position 71, A replaced by G.
Protein change: p.Gln24Arg; replaces glutamine 24 with arginine.
Molecular consequence: missense variant.
Genome position (GRCh38, 1-based): chr11:8,089,642, A>G. VCF-style: chr11-8089642-A-G. GRCh37 (hg19) VCF-style: chr11-8111189-A-G.
Other names: c.236A>G, p.Gln79Arg (NM_003320.5); short protein forms Q24R, Q79R.
Identifiers: ClinVar variation 2633493 (VCV002633493.1), dbSNP rs2539197230, ClinGen allele CA379562378.

ClinVar aggregate classification (germline): Uncertain significance (1 of 4 stars; one submission).

Conditions:
TUB-related disorder. Also called: TUB-related condition.

Submission:

PreventionGenetics, part of Exact Sciences
Classification: Uncertain significance for TUB-related condition. Last evaluated: 2023-04-05. Review status: criteria provided, single submitter. Criteria: ACMG Guidelines, 2015. Collection method: clinical testing. Allele origin: germline.
Comment: The TUB c.236A>G variant is predicted to result in the amino acid substitution p.Gln79Arg. To our knowledge, this variant has not been reported in the literature or in a large population database, indicating this variant is rare. At this time, the clinical significance of this variant is uncertain due to the absence of conclusive functional and genetic evidence.